The following is an entry in ClinVar:

NM_020166.5(MCCC1):c.1819_1832del (p.Ser607fs)

Gene: MCCC1 (methylcrotonyl-CoA carboxylase subunit 1; minus strand). Cytogenetic location: 3q27.1.
Variant type: Deletion.
Coding change: c.1819_1832del on transcript NM_020166.5 (MANE Select); coding-DNA positions 1819 to 1832, 14 bases deleted (AGTAAAGCGAAGCT).
Protein change: p.Ser607fs; shifts the reading frame from serine 607.
Molecular consequence: frameshift variant. On other transcripts: non-coding transcript variant (2).
Genome position (GRCh38, 1-based): chr3:183,022,454-183,022,467, AGCTTCGCTTTACT deleted on the plus strand (AGTAAAGCGAAGCT on the coding strand, the reverse complement: MCCC1 is on the minus strand); deleting any 14 consecutive bases within chr3:183,022,454-183,022,470 gives the same sequence; the c. name uses the placement nearest the transcript's 3' end. VCF-style (leftmost placement, unchanged base first): chr3-183022453-CAGCTTCGCTTTACT-C. GRCh37 (hg19) VCF-style: chr3-182740241-CAGCTTCGCTTTACT-C.
Other names: c.1468_1481del, p.Ser490fs (NM_001293273.2); c.1492_1505del, p.Ser498fs (NM_001363880.1); short protein forms S490fs, S498fs, S607fs.
Identifiers: ClinVar variation 476396 (VCV000476396.6), dbSNP rs1553850609, ClinGen allele CA658657355.

ClinVar aggregate classification (germline): Pathogenic (1 of 4 stars; one submission).

Conditions:
3-methylcrotonyl-CoA carboxylase 1 deficiency (MCC1D). Also called: MCC 1 deficiency; 3 Alpha methylcrotonylglycinuria 1; MCCD TYPE 1; METHYLCROTONYLGLYCINURIA TYPE I. Identifiers: Orphanet 6, MedGen CN028786, MONDO:0008861, OMIM 210200.

Submission:

Labcorp Genetics (formerly Invitae), Labcorp
Classification: Pathogenic for 3-methylcrotonyl-CoA carboxylase 1 deficiency. Last evaluated: 2016-12-30. Review status: criteria provided, single submitter. Criteria: Invitae Variant Classification Sherloc (09022015). Collection method: clinical testing. Allele origin: germline.
Comment: For these reasons, this variant has been classified as Pathogenic. While this particular variant has not been reported in the literature, loss-of-function variants in MCCC1 are known to be pathogenic (PMID: 16010683). This sequence change deletes 14 nucleotides from exon 16 of the MCCC1 mRNA (c.1819_1832delAGTAAAGCGAAGCT), causing a frameshift at codon 607. This creates a premature translational stop signal (p.Ser607Aspfs*17) and is expected to result in an absent or disrupted protein product.

Literature cited by the submitters: PubMed 16010683.